The following is an entry in ClinVar:

NM_001367479.1(DNAH14):c.4799T>C (p.Val1600Ala)

Gene: DNAH14 (dynein axonemal heavy chain 14; plus strand). Cytogenetic location: 1q42.12.
Variant type: single nucleotide variant.
Coding change: c.4799T>C on transcript NM_001367479.1 (MANE Select); coding-DNA position 4799, T replaced by C.
Protein change: p.Val1600Ala; replaces valine 1600 with alanine.
Molecular consequence: missense variant.
Genome position (GRCh38, 1-based): chr1:225,147,108, T>C. VCF-style: chr1-225147108-T-C. GRCh37 (hg19) VCF-style: chr1-225334810-T-C.
Other names: NM_001373.1:c.4748T>C; short protein forms V1600A.
Identifiers: ClinVar variation 3777431 (VCV003777431.1).

ClinVar aggregate classification (germline): Uncertain significance (1 of 4 stars; one submission).

gnomAD v4.1: 7 of 1,505,496 alleles (0.00046%); highest among the groups gnomAD compares: Admixed American, 0.0025%; no homozygotes.

Submission:

GeneDx
Classification: Uncertain significance. Last evaluated: 2024-10-13. Review status: criteria provided, single submitter. Criteria: GeneDx Variant Classification Process June 2021. Collection method: clinical testing. Allele origin: germline. Affected: yes.
Comment: Not observed at significant frequency in large population cohorts (gnomAD); In silico analysis indicates that this missense variant does not alter protein structure/function; Has not been previously published as pathogenic or benign to our knowledge